The following is an entry in ClinVar:

ClinVar aggregate classification (germline): Uncertain significance (1 of 4 stars; one submission).

Conditions:
Inborn genetic diseases. Identifiers: MedGen C0950123, MeSH D030342.

gnomAD v4.1: 1 of 1,613,526 alleles (0.000062%); highest among the groups gnomAD compares: Non-Finnish European, 0.000085%; no homozygotes.

Submission:

Ambry Genetics
Classification: Uncertain significance for Inborn genetic diseases. Last evaluated: 2025-06-09. Review status: criteria provided, single submitter. Criteria: Ambry Variant Classification Scheme 2023. Collection method: clinical testing. Allele origin: germline.
Comment: The p.I558T variant (also known as c.1673T>C), located in coding exon 10 of the FANCM gene, results from a T to C substitution at nucleotide position 1673. The isoleucine at codon 558 is replaced by threonine, an amino acid with similar properties. This amino acid position is conserved. In addition, this alteration is predicted to be deleterious by in silico analysis. Based on the available evidence, the clinical significance of this variant remains unclear.

NM_020937.4(FANCM):c.1673T>C (p.Ile558Thr)

Gene: FANCM (FA complementation group M; plus strand). Cytogenetic location: 14q21.2.
Variant type: single nucleotide variant.
Coding change: c.1673T>C on transcript NM_020937.4 (MANE Select); coding-DNA position 1673, T replaced by C.
Protein change: p.Ile558Thr; replaces isoleucine 558 with threonine.
Molecular consequence: missense variant.
Genome position (GRCh38, 1-based): chr14:45,164,450, T>C. VCF-style: chr14-45164450-T-C. GRCh37 (hg19) VCF-style: chr14-45633653-T-C.
Other names: c.1595T>C, p.Ile532Thr (NM_001308133.2); c.1673T>C, p.Ile558Thr (NM_001308134.2); short protein forms I558T, I532T.
Identifiers: ClinVar variation 4022870 (VCV004022870.1).